The following is an entry in ClinVar:

NM_130839.5(UBE3A):c.986A>G (p.Asn329Ser)

Genes: SNHG14 (small nucleolar RNA host gene 14; plus strand), UBE3A (ubiquitin protein ligase E3A; minus strand). Cytogenetic location: 15q11.2.
Variant type: single nucleotide variant.
Coding change: c.986A>G on transcript NM_130839.5 (MANE Select); coding-DNA position 986, A replaced by G.
Protein change: p.Asn329Ser; replaces asparagine 329 with serine.
Molecular consequence: missense variant. On other transcripts: non-coding transcript variant (1), intron variant (2).
Genome position (GRCh38, 1-based): chr15:25,371,188, T>C on the plus strand (A>G on the coding strand, the complement: UBE3A is on the minus strand). VCF-style: chr15-25371188-T-C. GRCh37 (hg19) VCF-style: chr15-25616335-T-C.
Other names: NM_130839.5(UBE3A):c.986A>G; p.Asn329Ser; c.995A>G, p.Asn332Ser (NM_000462.5); c.986A>G, p.Asn329Ser (NM_001354505.1, NM_001354538.2, NM_001354545.2); c.926A>G, p.Asn309Ser (NM_001354506.2, NM_001354507.2, NM_001354508.2 and 17 more transcripts); c.809A>G, p.Asn270Ser (NM_001354546.2); c.301+4277A>G (NM_001354551.2); c.361+4277A>G (NM_001354550.2); short protein forms N270S, N329S, N309S, N332S.
Identifiers: ClinVar variation 654347 (VCV000654347.12), dbSNP rs556829175, ClinGen allele CA7435573.

ClinVar aggregate classification (germline): Uncertain significance. Review status: reviewed by expert panel (3 of 4 stars). 5 submissions from 5 submitters: Uncertain significance (1). 4 of the submissions do not count toward it. Last evaluated 2023-06-15.

Conditions:
Angelman syndrome (AS). Also called: HAPPY PUPPET SYNDROME. Identifiers: Orphanet 72, MedGen C0162635, MONDO:0007113, OMIM 105830. Disease mechanism: loss of function. Inheritance: imprinting disorder, AS is caused by disruption of maternally imprinted UBE3A located within the 15q11.2-q13 Angelman syndrome/Prader-Willi syndrome (AS/PWS) region..

Allele frequency attached by ClinVar (database versions not stated): gnomAD 0.00009; TOPMed 0.00009; 1000 Genomes Project 30x 0.00016; 1000 Genomes Project 0.00020.
gnomAD v4.1: 46 of 1,614,134 alleles (0.0028%); highest among the groups gnomAD compares: African/African-American, 0.031%; no homozygotes.

Submissions (5):

ClinGen Rett and Angelman-like Disorders Variant Curation Expert Panel
Classification: Uncertain significance for Angelman syndrome. Last evaluated: 2023-06-15. Review status: reviewed by expert panel. Criteria: ClinGen RettAS ACMG Specifications UBE3A V4.0.0. Collection method: curation. Allele origin: germline. Inheritance: Autosomal dominant inheritance.
Comment: The allele frequency of the c.926A>G p.Asn309Ser variant in UBE3A (NM_130838.2) is 0.016% in the African/African American sub population in gnomAD, which is high enough to meet the BS1 criteria based on thresholds defined by the ClinGen Rett/Angelman-like Expert Panel for Rett/AS-like conditions (BS1). Computational prediction analysis tools are inconclusive for this variant (no criteria met). In summary, the c.926A>G p.Asn309Ser variant in UBE3A is classified as a Variant of Uncertain Significance based on the ACMG/AMP criteria (BS1).

Labcorp Genetics (formerly Invitae), Labcorp
Classification: Uncertain significance for Angelman syndrome. Last evaluated: 2026-01-26. Review status: criteria provided, single submitter. Criteria: Invitae Variant Classification Sherloc (09022015). Collection method: clinical testing. Allele origin: germline. Not counted in ClinVar's aggregate classification.
Comment: This sequence change replaces asparagine, which is neutral and polar, with serine, which is neutral and polar, at codon 309 of the UBE3A protein (p.Asn309Ser). This variant is present in population databases (rs556829175, gnomAD 0.01%). This variant has not been reported in the literature in individuals affected with UBE3A-related conditions. ClinVar contains an entry for this variant (Variation ID: 654347). Invitae Evidence Modeling of protein sequence and biophysical properties (such as structural, functional, and spatial information, amino acid conservation, physicochemical variation, residue mobility, and thermodynamic stability) indicates that this missense variant is not expected to disrupt UBE3A protein function with a negative predictive value of 80%. In summary, the available evidence is currently insufficient to determine the role of this variant in disease. Therefore, it has been classified as a Variant of Uncertain Significance.

Breakthrough Genomics
Classification: Uncertain significance. Review status: criteria provided, single submitter. Criteria: ACMG Guidelines, 2015. Collection method: not provided. Allele origin: germline. Inheritance: Autosomal dominant inheritance. Affected: yes. Not counted in ClinVar's aggregate classification.

Clinical Genetics DNA and cytogenetics Diagnostics Lab, Erasmus MC, Erasmus Medical Center
Classification: Likely benign. Review status: no assertion criteria provided. Collection method: clinical testing. Allele origin: germline. Affected: yes. Study: VKGL Data-share Consensus. Not counted in ClinVar's aggregate classification.

Laboratory of Diagnostic Genome Analysis, Leiden University Medical Center (LUMC)
Classification: Likely benign. Review status: no assertion criteria provided. Collection method: clinical testing. Allele origin: germline. Affected: yes. Study: VKGL Data-share Consensus. Not counted in ClinVar's aggregate classification.